The following is an entry in ClinVar:

NM_005918.4(MDH2):c.41G>A (p.Arg14His)

Gene: MDH2 (malate dehydrogenase 2; plus strand). Cytogenetic location: 7q11.23.
Variant type: single nucleotide variant.
Coding change: c.41G>A on transcript NM_005918.4 (MANE Select); coding-DNA position 41, G replaced by A.
Protein change: p.Arg14His; replaces arginine 14 with histidine.
Molecular consequence: missense variant. On other transcripts: 5 prime UTR variant (1), non-coding transcript variant (1).
Genome position (GRCh38, 1-based): chr7:76,048,201, G>A. VCF-style: chr7-76048201-G-A. GRCh37 (hg19) VCF-style: chr7-75677519-G-A.
Other names: c.41G>A, p.Arg14His (NM_001282403.2); c.-112G>A (NM_001282404.2); short protein forms R14H.
Identifiers: ClinVar variation 1738646 (VCV001738646.2), dbSNP rs1554584482, ClinGen allele CA367760084.

ClinVar aggregate classification (germline): Uncertain significance (1 of 4 stars; one submission).

Conditions:
Inborn genetic diseases. Identifiers: MedGen C0950123, MeSH D030342.

Allele frequency attached by ClinVar (database versions not stated): gnomAD exomes 0.00001.

Submission:

Ambry Genetics
Classification: Uncertain significance for Inborn genetic diseases. Last evaluated: 2024-01-06. Review status: criteria provided, single submitter. Criteria: Ambry Variant Classification Scheme 2023. Collection method: clinical testing. Allele origin: germline.
Comment: The p.R14H variant (also known as c.41G>A), located in coding exon 1 of the MDH2 gene, results from a G to A substitution at nucleotide position 41. The arginine at codon 14 is replaced by histidine, an amino acid with highly similar properties. This amino acid position is conserved. In addition, this alteration is predicted to be tolerated by in silico analysis. Since supporting evidence is limited at this time, the clinical significance of this alteration remains unclear.